The following is an entry in ClinVar:

NM_012079.6(DGAT1):c.1348G>A (p.Gly450Ser)

Gene: DGAT1 (diacylglycerol O-acyltransferase 1; minus strand). Cytogenetic location: 8q24.3.
Variant type: single nucleotide variant.
Coding change: c.1348G>A on transcript NM_012079.6 (MANE Select); coding-DNA position 1348, G replaced by A.
Protein change: p.Gly450Ser; replaces glycine 450 with serine.
Molecular consequence: missense variant.
Genome position (GRCh38, 1-based): chr8:144,316,673, C>T on the plus strand (G>A on the coding strand, the complement: DGAT1 is on the minus strand). VCF-style: chr8-144316673-C-T. GRCh37 (hg19) VCF-style: chr8-145540336-C-T.
Other names: short protein forms G450S.
Identifiers: ClinVar variation 2111019 (VCV002111019.4), dbSNP rs868942419, ClinGen allele CA372607788.

ClinVar aggregate classification (germline): Uncertain significance (1 of 4 stars; one submission).

Allele frequency attached by ClinVar (database versions not stated): gnomAD 0.00001; TOPMed 0.00001.
gnomAD v4.1: 2 of 1,612,078 alleles (0.00012%); highest among the groups gnomAD compares: African/African-American, 0.0027%; no homozygotes.

Submission:

Labcorp Genetics (formerly Invitae), Labcorp
Classification: Uncertain significance. Last evaluated: 2024-12-09. Review status: criteria provided, single submitter. Criteria: Invitae Variant Classification Sherloc (09022015). Collection method: clinical testing. Allele origin: germline.
Comment: This sequence change replaces glycine, which is neutral and non-polar, with serine, which is neutral and polar, at codon 450 of the DGAT1 protein (p.Gly450Ser). This variant is not present in population databases (gnomAD no frequency). This variant has not been reported in the literature in individuals affected with DGAT1-related conditions. ClinVar contains an entry for this variant (Variation ID: 2111019). Invitae Evidence Modeling of protein sequence and biophysical properties (such as structural, functional, and spatial information, amino acid conservation, physicochemical variation, residue mobility, and thermodynamic stability) indicates that this missense variant is not expected to disrupt DGAT1 protein function with a negative predictive value of 80%. In summary, the available evidence is currently insufficient to determine the role of this variant in disease. Therefore, it has been classified as a Variant of Uncertain Significance.